The following is an entry in ClinVar:

ClinVar aggregate classification (germline): Pathogenic/Likely pathogenic. Review status: criteria provided, multiple submitters, no conflicts (2 of 4 stars). 3 submissions from 3 submitters: Pathogenic (1); Likely pathogenic (1). 1 of the submissions does not count toward it. Last evaluated 2017-01-01.

Conditions:
FG syndrome 4 (FGS4). Identifiers: MedGen C1845546, MONDO:0010318, OMIM 300422.
Inability to walk. Identifiers: MedGen C0560046, HP:0002540.
Dystonic disorder. Also called: Dystonia. Identifiers: MedGen C0013421, MONDO:0003441, HP:0001332.
Nystagmus. Identifiers: MedGen C0028738, MONDO:0004843, HP:0000639.

Submissions (3):

Centre for Mendelian Genomics, University Medical Centre Ljubljana
Classification: Likely pathogenic for Dystonic disorder; Inability to walk; Nystagmus. Last evaluated: 2017-01-01. Review status: criteria provided, single submitter. Criteria: ACMG Guidelines, 2015. Collection method: clinical testing. Allele origin: unknown. Affected: yes.

GeneDx
Classification: Pathogenic. Last evaluated: 2015-03-26. Review status: criteria provided, single submitter. Criteria: GeneDx Variant Classification (06012015). Collection method: clinical testing. Allele origin: germline. Affected: yes.
Comment: The c.2506-2 A>G splice site variant in the CASK gene destroys the canonical splice acceptor site in intron 25. It is predicted to cause abnormal gene splicing, either leading to an abnormal message that is subject to nonsense-mediated mRNA decay, or to an abnormal protein product if the message is used for protein translation.

OMIM
Classification: Pathogenic for FG SYNDROME 4. Last evaluated: 2010-05-01. Review status: no assertion criteria provided. Collection method: literature only. Allele origin: germline. Not counted in ClinVar's aggregate classification.

Literature cited by the submitters: PubMed 28139025 (cited by OMIM); PubMed 20029458 (cited by OMIM).

NM_001367721.1(CASK):c.2521-2A>G

Gene: CASK (calcium/calmodulin dependent serine protein kinase; minus strand). Cytogenetic location: Xp11.4.
Variant type: single nucleotide variant.
Coding change: c.2521-2A>G on transcript NM_001367721.1 (MANE Select); the canonical splice acceptor site of the intron before coding-DNA position 2521, A replaced by G.
Molecular consequence: splice acceptor variant.
Genome position (GRCh38, 1-based): chrX:41,524,036, T>C on the plus strand (A>G on the coding strand, the complement: CASK is on the minus strand). VCF-style: chrX-41524036-T-C. GRCh37 (hg19) VCF-style: chrX-41383289-T-C.
Other names: IVS25AS, A-G, -2; c.2437-2A>G (NM_001126054.3); c.2506-2A>G (NM_003688.4); c.2503-2A>G (NM_001410745.1); c.2434-2A>G (NM_001126055.3).
Identifiers: ClinVar variation 265316 (VCV000265316.4), dbSNP rs398122845, ClinGen allele CA10588782.